The following is an entry in ClinVar:

NM_058246.4(DNAJB6):c.48C>A (p.Pro16=)

Gene: DNAJB6 (DnaJ heat shock protein family (Hsp40) member B6; plus strand). Cytogenetic location: 7q36.3.
Variant type: single nucleotide variant.
Coding change: c.48C>A on transcript NM_058246.4 (MANE Select); coding-DNA position 48, C replaced by A.
Protein change: p.Pro16=; no amino-acid change (proline 16 retained).
Molecular consequence: synonymous variant.
Genome position (GRCh38, 1-based): chr7:157,358,620, C>A. VCF-style: chr7-157358620-C-A. GRCh37 (hg19) VCF-style: chr7-157151314-C-A.
Other names: c.48C>A, p.Pro16= (NM_001363676.1, NM_005494.3).
Identifiers: ClinVar variation 3352929 (VCV003352929.3).

ClinVar aggregate classification (germline): Benign. Review status: criteria provided, single submitter (1 of 4 stars). 2 submissions from 2 submitters: Benign (1). 1 of the submissions does not count toward it. Last evaluated 2025-08-26.

Conditions:
Autosomal dominant limb-girdle muscular dystrophy type 1D (DNAJB6) (LGMDD1). Also called: MUSCULAR DYSTROPHY, LIMB-GIRDLE, TYPE 1D; Autosomal dominant limb-girdle muscular dystrophy type 1D; Muscular dystrophy, limb-girdle, autosomal dominant 1; MUSCULAR DYSTROPHY, AUTOSOMAL DOMINANT, WITH RIMMED VACUOLES. Identifiers: Orphanet 34516, MedGen C4721885, MONDO:0021018, OMIM 603511.
DNAJB6-related disorder. Also called: DNAJB6-related condition.

gnomAD v4.1: 66 of 1,613,110 alleles (0.0041%); highest among the groups gnomAD compares: South Asian, 0.066%; 1 homozygote.

Submissions (2):

Labcorp Genetics (formerly Invitae), Labcorp
Classification: Benign for Autosomal dominant limb-girdle muscular dystrophy type 1D (DNAJB6). Last evaluated: 2025-08-26. Review status: criteria provided, single submitter. Criteria: Invitae Variant Classification Sherloc (09022015). Collection method: clinical testing. Allele origin: germline.

PreventionGenetics, part of Exact Sciences
Classification: Likely benign for DNAJB6-related condition. Last evaluated: 2024-08-14. Review status: no assertion criteria provided. Collection method: clinical testing. Allele origin: germline. Not counted in ClinVar's aggregate classification.
Comment: This variant is classified as likely benign based on ACMG/AMP sequence variant interpretation guidelines (Richards et al. 2015 PMID: 25741868, with internal and published modifications).